The following is an entry in ClinVar:

ClinVar aggregate classification (germline): Uncertain significance (1 of 4 stars; one submission).

Allele frequency attached by ClinVar (database versions not stated): gnomAD exomes below 0.00001; TOPMed below 0.00001.
gnomAD v4.1: 1 of 1,612,464 alleles (0.000062%); highest among the groups gnomAD compares: Non-Finnish European, 0.000085%; no homozygotes.

Submission:

Labcorp Genetics (formerly Invitae), Labcorp
Classification: Uncertain significance. Last evaluated: 2022-02-26. Review status: criteria provided, single submitter. Criteria: Invitae Variant Classification Sherloc (09022015). Collection method: clinical testing. Allele origin: germline.
Comment: Algorithms developed to predict the effect of missense changes on protein structure and function output the following: SIFT: "Tolerated"; PolyPhen-2: "Benign"; Align-GVGD: "Class C0". The glycine amino acid residue is found in multiple mammalian species, which suggests that this missense change does not adversely affect protein function. This variant has not been reported in the literature in individuals affected with FGF23-related conditions. This variant is not present in population databases (gnomAD no frequency). This sequence change replaces serine, which is neutral and polar, with glycine, which is neutral and non-polar, at codon 20 of the FGF23 protein (p.Ser20Gly). In summary, the available evidence is currently insufficient to determine the role of this variant in disease. Therefore, it has been classified as a Variant of Uncertain Significance.

NM_020638.3(FGF23):c.58A>G (p.Ser20Gly)

Gene: FGF23 (fibroblast growth factor 23; minus strand). Cytogenetic location: 12p13.32.
Variant type: single nucleotide variant.
Coding change: c.58A>G on transcript NM_020638.3 (MANE Select); coding-DNA position 58, A replaced by G.
Protein change: p.Ser20Gly; replaces serine 20 with glycine.
Molecular consequence: missense variant.
Genome position (GRCh38, 1-based): chr12:4,379,525, T>C on the plus strand (A>G on the coding strand, the complement: FGF23 is on the minus strand). VCF-style: chr12-4379525-T-C. GRCh37 (hg19) VCF-style: chr12-4488691-T-C.
Other names: short protein forms S20G.
Identifiers: ClinVar variation 2103752 (VCV002103752.4), dbSNP rs1865155595, ClinGen allele CA383418477.